The following is an entry in ClinVar:

NM_000268.4(NF2):c.721C>A (p.Leu241Ile)

Gene: NF2 (NF2, moesin-ezrin-radixin like (MERLIN) tumor suppressor; plus strand). Cytogenetic location: 22q12.2.
Variant type: single nucleotide variant.
Coding change: c.721C>A on transcript NM_000268.4 (MANE Select); coding-DNA position 721, C replaced by A.
Protein change: p.Leu241Ile; replaces leucine 241 with isoleucine.
Molecular consequence: missense variant. On other transcripts: non-coding transcript variant (1), intron variant (4).
Genome position (GRCh38, 1-based): chr22:29,661,250, C>A. VCF-style: chr22-29661250-C-A. GRCh37 (hg19) VCF-style: chr22-30057239-C-A.
Other names: c.607C>A, p.Leu203Ile (NM_001407053.1, NM_001407056.1); c.598C>A, p.Leu200Ile (NM_001407054.1, NM_001407058.1, NM_181829.3); c.595C>A, p.Leu199Ile (NM_001407055.1, NM_181828.3); c.721C>A, p.Leu241Ile (NM_001407060.1, NM_001407066.1, NM_016418.5 and 2 more transcripts); c.472C>A, p.Leu158Ile (NM_001407063.1, NM_001407064.1, NM_181830.3 and 1 more transcripts); c.187C>A, p.Leu63Ile (NM_001407065.1); c.490C>A, p.Leu164Ile (NM_001407067.1); c.675+2986C>A (NM_001407059.1, NM_001407057.1); and 2 more; short protein forms L164I, L203I, L241I, L158I, L199I, L200I, L63I.
Identifiers: ClinVar variation 2568052 (VCV002568052.2), dbSNP rs2518596979, ClinGen allele CA411143822.

ClinVar aggregate classification (germline): Uncertain significance (1 of 4 stars; one submission).

Conditions:
Hereditary cancer-predisposing syndrome. Also called: Hereditary neoplastic syndrome; Hereditary Cancer Syndrome; Neoplastic Syndromes, Hereditary; Tumor predisposition. Identifiers: Orphanet 140162, MedGen C0027672, MeSH D009386, MONDO:0015356.

Submission:

Ambry Genetics
Classification: Uncertain significance for Hereditary cancer-predisposing syndrome. Last evaluated: 2023-04-19. Review status: criteria provided, single submitter. Criteria: Ambry Variant Classification Scheme 2023. Collection method: clinical testing. Allele origin: germline.
Comment: The p.L241I variant (also known as c.721C>A), located in coding exon 8 of the NF2 gene, results from a C to A substitution at nucleotide position 721. The leucine at codon 241 is replaced by isoleucine, an amino acid with highly similar properties. This amino acid position is conserved. In addition, the in silico prediction for this alteration is inconclusive. Since supporting evidence is limited at this time, the clinical significance of this alteration remains unclear.